The following is an entry in ClinVar:

NM_001609.4(ACADSB):c.202+1G>C

Gene: ACADSB (acyl-CoA dehydrogenase short/branched chain; plus strand). Cytogenetic location: 10q26.13.
Variant type: single nucleotide variant.
Coding change: c.202+1G>C on transcript NM_001609.4 (MANE Select); the canonical splice donor site of the intron after coding-DNA position 202, G replaced by C.
Molecular consequence: splice donor variant.
Genome position (GRCh38, 1-based): chr10:123,034,516, G>C. VCF-style: chr10-123034516-G-C. GRCh37 (hg19) VCF-style: chr10-124794032-G-C.
Other names: c.-4+1G>C (NM_001330174.3).
Identifiers: ClinVar variation 2991398 (VCV002991398.3), dbSNP rs764524104, ClinGen allele CA5730633.

ClinVar aggregate classification (germline): Likely pathogenic (1 of 4 stars; one submission).

Conditions:
Deficiency of 2-methylbutyryl-CoA dehydrogenase (ACADSB). Also called: 2-methylbutyrylglycinuria; 2-methylbutyryl-CoA dehydrogenase deficiency; SBCAD deficiency; 2-methylbutyric aciduria; Short branched-chain acyl-CoA dehydrogenase deficiency. Identifiers: Orphanet 79157, MedGen C1864912, MONDO:0012392, OMIM 610006, HP:0020147.

Allele frequency attached by ClinVar (database versions not stated): ExAC 0.00001; gnomAD exomes 0.00001.
gnomAD v4.1: 4 of 1,606,376 alleles (0.00025%); highest among the groups gnomAD compares: Non-Finnish European, 0.00034%; no homozygotes.

Submission:

Labcorp Genetics (formerly Invitae), Labcorp
Classification: Likely pathogenic for Deficiency of 2-methylbutyryl-CoA dehydrogenase. Last evaluated: 2022-11-12. Review status: criteria provided, single submitter. Criteria: Invitae Variant Classification Sherloc (09022015). Collection method: clinical testing. Allele origin: germline.
Comment: In summary, the currently available evidence indicates that the variant is pathogenic, but additional data are needed to prove that conclusively. Therefore, this variant has been classified as Likely Pathogenic. Algorithms developed to predict the effect of sequence changes on RNA splicing suggest that this variant may disrupt the consensus splice site. This variant has not been reported in the literature in individuals affected with ACADSB-related conditions. The frequency data for this variant in the population databases is considered unreliable, as metrics indicate poor data quality at this position in the gnomAD database. This sequence change affects a donor splice site in intron 2 of the ACADSB gene. It is expected to disrupt RNA splicing. Variants that disrupt the donor or acceptor splice site typically lead to a loss of protein function (PMID: 16199547), and loss-of-function variants in ACADSB are known to be pathogenic (PMID: 20547083, 26284228).

Literature cited by the submitters: PubMed 16199547; PubMed 20547083; PubMed 26284228.